The following is an entry in ClinVar:

NM_001101426.4(CRPPA):c.623A>G (p.His208Arg)

Gene: CRPPA (CDP-L-ribitol pyrophosphorylase A; minus strand). Cytogenetic location: 7p21.2.
Variant type: single nucleotide variant.
Coding change: c.623A>G on transcript NM_001101426.4 (MANE Select); coding-DNA position 623, A replaced by G.
Protein change: p.His208Arg; replaces histidine 208 with arginine.
Molecular consequence: missense variant. On other transcripts: non-coding transcript variant (1), intron variant (1).
Genome position (GRCh38, 1-based): chr7:16,376,153, T>C on the plus strand (A>G on the coding strand, the complement: CRPPA is on the minus strand). VCF-style: chr7-16376153-T-C. GRCh37 (hg19) VCF-style: chr7-16415778-T-C.
Other names: c.623A>G, p.His208Arg (NM_001368197.1); c.534+29908A>G (NM_001101417.4); short protein forms H208R.
Identifiers: ClinVar variation 2100998 (VCV002100998.4), dbSNP rs2546723360, ClinGen allele CA367002014.

ClinVar aggregate classification (germline): Uncertain significance (1 of 4 stars; one submission).

Conditions:
Autosomal recessive limb-girdle muscular dystrophy type 2U. Also called: Muscular dystrophy-dystroglycanopathy (limb-girdle), type c, 7; MUSCULAR DYSTROPHY, LIMB-GIRDLE, TYPE 2U. Identifiers: Orphanet 352479, MedGen C5190987, MONDO:0014474, OMIM 616052.
Muscular dystrophy-dystroglycanopathy (congenital with brain and eye anomalies), type A, 7. Also called: WALKER-WARBURG SYNDROME OR MUSCLE-EYE-BRAIN DISEASE, ISPD-RELATED; Congenital muscular dystrophy-dystroglycanopathy with brain and eye anomalies, type A7. Identifiers: Orphanet 899, MedGen C3553330, MONDO:0013835, OMIM 614643.

Submission:

Labcorp Genetics (formerly Invitae), Labcorp
Classification: Uncertain significance for Muscular dystrophy-dystroglycanopathy (congenital with brain and eye anomalies), type A, 7; Autosomal recessive limb-girdle muscular dystrophy type 2U. Last evaluated: 2022-02-21. Review status: criteria provided, single submitter. Criteria: Invitae Variant Classification Sherloc (09022015). Collection method: clinical testing. Allele origin: germline.
Comment: This sequence change replaces histidine, which is basic and polar, with arginine, which is basic and polar, at codon 208 of the ISPD protein (p.His208Arg). This variant is not present in population databases (gnomAD no frequency). This variant has not been reported in the literature in individuals affected with ISPD-related conditions. Algorithms developed to predict the effect of missense changes on protein structure and function are either unavailable or do not agree on the potential impact of this missense change (SIFT: "Deleterious"; PolyPhen-2: "Possibly Damaging"; Align-GVGD: "Class C0"). In summary, the available evidence is currently insufficient to determine the role of this variant in disease. Therefore, it has been classified as a Variant of Uncertain Significance.